The following is an entry in ClinVar:

NM_032409.3(PINK1):c.504T>C (p.Ala168=)

Gene: PINK1 (PTEN induced kinase 1; plus strand). Cytogenetic location: 1p36.12.
Variant type: single nucleotide variant.
Coding change: c.504T>C on transcript NM_032409.3 (MANE Select); coding-DNA position 504, T replaced by C.
Protein change: p.Ala168=; no amino-acid change (alanine 168 retained).
Molecular consequence: synonymous variant.
Genome position (GRCh38, 1-based): chr1:20,637,958, T>C. VCF-style: chr1-20637958-T-C. GRCh37 (hg19) VCF-style: chr1-20964451-T-C.
Identifiers: ClinVar variation 1559671 (VCV001559671.15), dbSNP rs1030921349, ClinGen allele CA416674490.

ClinVar aggregate classification (germline): Likely benign. Review status: criteria provided, multiple submitters, no conflicts (2 of 4 stars). 3 submissions from 3 submitters: Likely benign (3). Last evaluated 2026-01-19.

Conditions:
Autosomal recessive early-onset Parkinson disease 6 (PARK6). Also called: PARKINSON DISEASE 6, MODIFIER OF; PINK1 Type of Young-Onset Parkinson Disease; PINK1-Related Parkinson Disease; PARKINSON DISEASE 6, EARLY-ONSET. Identifiers: Orphanet 2828, MedGen C1853833, MONDO:0011613, OMIM 605909.

Allele frequency attached by ClinVar (database versions not stated): gnomAD exomes 0.00001.
gnomAD v4.1: 13 of 1,614,216 alleles (0.00081%); highest among the groups gnomAD compares: Middle Eastern, 0.15%; no homozygotes.

Submissions (3):

Labcorp Genetics (formerly Invitae), Labcorp
Classification: Likely benign for Autosomal recessive early-onset Parkinson disease 6. Last evaluated: 2026-01-19. Review status: criteria provided, single submitter. Criteria: Invitae Variant Classification Sherloc (09022015). Collection method: clinical testing. Allele origin: germline.

CeGaT Center for Human Genetics Tuebingen
Classification: Likely benign. Last evaluated: 2025-10-01. Review status: criteria provided, single submitter. Criteria: CeGaT Center For Human Genetics Tuebingen Variant Classification Criteria Version 2. Collection method: clinical testing. Allele origin: germline. Affected: yes. Observed: 1 variant allele.
Comment: PINK1: BP4, BP7

Breakthrough Genomics
Classification: Likely benign. Review status: criteria provided, single submitter. Criteria: ACMG Guidelines, 2015. Collection method: not provided. Allele origin: germline. Inheritance: Autosomal recessive inheritance. Affected: yes.